The following is an entry in ClinVar:

ClinVar aggregate classification (germline): Conflicting classifications of pathogenicity. Review status: criteria provided, conflicting classifications (1 of 4 stars). 8 submissions from 8 submitters: Uncertain significance (6); Likely benign (2). Last evaluated 2026-09-02.

Conditions:
NPHP1-related disorder. Also called: NPHP1-related disorders; NPHP1-related condition.
Inborn genetic diseases. Identifiers: MedGen C0950123, MeSH D030342.
Nephronophthisis. Also called: Juvenile Nephronophthisis. Identifiers: Orphanet 655, MedGen C0687120, MONDO:0019005, HP:0000090.
Senior-Loken syndrome 1 (SLSN1). Also called: JUVENILE NEPHRONOPHTHISIS WITH LEBER AMAUROSIS. Identifiers: Orphanet 3156, MedGen C4551559, MONDO:0009962, OMIM 266900.
Nephronophthisis 1 (NPHP1). Also called: Nephronophthisis familial juvenile. Identifiers: Orphanet 655, Orphanet 93592, MedGen C1855681, MONDO:0009728, OMIM 256100.
Joubert syndrome with renal defect. Also called: JOUBERT SYNDROME 4. Identifiers: Orphanet 220497, MedGen C1846790, MONDO:0012308, OMIM 609583.

Allele frequency attached by ClinVar (database versions not stated): gnomAD 0.00002 and 0.00003; ESP Exome Variant Server 0.00008; TOPMed 0.00001; ExAC 0.00002.
gnomAD v4.1: 39 of 1,610,804 alleles (0.0024%); highest among the groups gnomAD compares: Non-Finnish European, 0.003%; no homozygotes.

Submissions (8):

PreventionGenetics, part of Exact Sciences
Classification: Uncertain significance for NPHP1-related condition. Last evaluated: 2026-09-02. Review status: criteria provided, single submitter. Criteria: ACMG Guidelines, 2015. Collection method: clinical testing. Allele origin: germline.
Comment: The NPHP1 c.104A>G variant is predicted to result in the amino acid substitution p.Glu35Gly. To our knowledge, this variant has not been reported in the literature. This variant is reported in 0.0039% of alleles in individuals of European (Non-Finnish) descent in gnomAD. At this time, the clinical significance of this variant is uncertain due to the absence of conclusive functional and genetic evidence.

Mayo Clinic Laboratories, Mayo Clinic
Classification: Uncertain significance. Last evaluated: 2024-07-10. Review status: criteria provided, single submitter. Criteria: ACMG Guidelines, 2015. Collection method: clinical testing. Allele origin: germline. Observed: 1 variant allele.
Comment: BP4, PM2

Blueprint Genetics
Classification: Likely benign. Last evaluated: 2024-04-11. Review status: criteria provided, single submitter. Criteria: ACMG Guidelines, 2015. Collection method: clinical testing. Allele origin: germline.

Fulgent Genetics
Classification: Uncertain significance for Nephronophthisis 1; Senior-Loken syndrome 1; Joubert syndrome with renal defect. Last evaluated: 2024-03-22. Review status: criteria provided, single submitter. Criteria: ACMG Guidelines, 2015. Collection method: clinical testing. Allele origin: germline.

Department of Pathology and Laboratory Medicine, Sinai Health System
Classification: Uncertain significance for Nephronophthisis 1; Senior-Loken syndrome 1; Joubert syndrome with renal defect. Last evaluated: 2022-11-22. Review status: criteria provided, single submitter. Criteria: ACMG Guidelines, 2015. Collection method: research. Allele origin: germline.

Ambry Genetics
Classification: Likely benign for Inborn genetic diseases. Last evaluated: 2022-09-07. Review status: criteria provided, single submitter. Criteria: Ambry Variant Classification Scheme 2023. Collection method: clinical testing. Allele origin: germline.

Revvity Omics, Revvity
Classification: Uncertain significance. Last evaluated: 2022-06-13. Review status: criteria provided, single submitter. Criteria: ACMG Guidelines, 2015. Collection method: clinical testing. Allele origin: germline.

Labcorp Genetics (formerly Invitae), Labcorp
Classification: Uncertain significance for Nephronophthisis. Last evaluated: 2022-02-10. Review status: criteria provided, single submitter. Criteria: Invitae Variant Classification Sherloc (09022015). Collection method: clinical testing. Allele origin: germline.
Comment: This sequence change replaces glutamic acid, which is acidic and polar, with glycine, which is neutral and non-polar, at codon 35 of the NPHP1 protein (p.Glu35Gly). This variant is present in population databases (rs368025611, gnomAD 0.003%). This variant has not been reported in the literature in individuals affected with NPHP1-related conditions. Algorithms developed to predict the effect of missense changes on protein structure and function output the following: SIFT: "Tolerated"; PolyPhen-2: "Benign"; Align-GVGD: "Class C0". The glycine amino acid residue is found in multiple mammalian species, which suggests that this missense change does not adversely affect protein function. In summary, the available evidence is currently insufficient to determine the role of this variant in disease. Therefore, it has been classified as a Variant of Uncertain Significance.

NM_001128178.3(NPHP1):c.104A>G (p.Glu35Gly)

Gene: NPHP1 (nephrocystin 1; minus strand). Cytogenetic location: 2q13.
Variant type: single nucleotide variant.
Coding change: c.104A>G on transcript NM_001128178.3 (MANE Select); coding-DNA position 104, A replaced by G.
Protein change: p.Glu35Gly; replaces glutamic acid 35 with glycine.
Molecular consequence: missense variant.
Genome position (GRCh38, 1-based): chr2:110,201,460, T>C on the plus strand (A>G on the coding strand, the complement: NPHP1 is on the minus strand). VCF-style: chr2-110201460-T-C. GRCh37 (hg19) VCF-style: chr2-110959037-T-C.
Other names: p.Glu35Gly; c.104A>G (NM_000272.3, NM_000272.4); c.104A>G, p.Glu35Gly (NM_000272.5, NM_001128179.3, NM_001374256.1 and 2 more transcripts); short protein forms E35G.
Identifiers: ClinVar variation 1409630 (VCV001409630.13), dbSNP rs368025611, ClinGen allele CA1827502.
Genomic context (GRCh38, chr2:110,201,460, plus strand): 5'-ATATAATTTAGCATACTTTACCTTTGATAAATATGTTGTCTTTTATTGGGTTCTAGAGCT[T>C]CTTTCAGTTGGCTCTCAGAAAGCAAACTATCAACCTATGGAGACCATTTAAAATATCACA-3'
Protein context (NP_001121650.1, residues 25-45): DSLLSESQLK[Glu35Gly]ALEPNKRQHI